The following is an entry in ClinVar:

ClinVar aggregate classification (germline): Uncertain significance (1 of 4 stars; one submission).

Submission:

Labcorp Genetics (formerly Invitae), Labcorp
Classification: Uncertain significance. Last evaluated: 2025-01-15. Review status: criteria provided, single submitter. Criteria: Invitae Variant Classification Sherloc (09022015). Collection method: clinical testing. Allele origin: germline.
Comment: This sequence change replaces glutamic acid, which is acidic and polar, with lysine, which is basic and polar, at codon 839 of the RAI1 protein (p.Glu839Lys). This variant is not present in population databases (gnomAD no frequency). This variant has not been reported in the literature in individuals affected with RAI1-related conditions. An algorithm developed to predict the effect of missense changes on protein structure and function (PolyPhen-2) suggests that this variant is likely to be tolerated. In summary, the available evidence is currently insufficient to determine the role of this variant in disease. Therefore, it has been classified as a Variant of Uncertain Significance.

NM_030665.4(RAI1):c.2515G>A (p.Glu839Lys)

Gene: RAI1 (retinoic acid induced 1; plus strand). Cytogenetic location: 17p11.2.
Variant type: single nucleotide variant.
Coding change: c.2515G>A on transcript NM_030665.4 (MANE Select); coding-DNA position 2515, G replaced by A.
Protein change: p.Glu839Lys; replaces glutamic acid 839 with lysine.
Molecular consequence: missense variant.
Genome position (GRCh38, 1-based): chr17:17,795,463, G>A. VCF-style: chr17-17795463-G-A. GRCh37 (hg19) VCF-style: chr17-17698777-G-A.
Other names: short protein forms E839K.
Identifiers: ClinVar variation 3727972 (VCV003727972.2).